The following is an entry in ClinVar:

NM_031935.3(HMCN1):c.1634G>C (p.Ser545Thr)

Gene: HMCN1 (hemicentin 1; plus strand). Cytogenetic location: 1q31.1.
Variant type: single nucleotide variant.
Coding change: c.1634G>C on transcript NM_031935.3 (MANE Select); coding-DNA position 1634, G replaced by C.
Protein change: p.Ser545Thr; replaces serine 545 with threonine.
Molecular consequence: missense variant.
Genome position (GRCh38, 1-based): chr1:185,933,630, G>C. VCF-style: chr1-185933630-G-C. GRCh37 (hg19) VCF-style: chr1-185902762-G-C.
Other names: short protein forms S545T.
Identifiers: ClinVar variation 3658669 (VCV003658669.2).
Genomic context (GRCh38, chr1:185,933,630, plus strand): 5'-TGCCTAACAATGTTACAGTCACTCCTGGAGAGAGAGCAGTTTTAACATGTCTCATCATCA[G>C]TGCGGTGGATTACAATCTAACCTGGCAGAGGAATGACAGAGATGTCAGACTGGCAGAGCC-3'
Protein context (NP_114141.2, residues 535-555): ERAVLTCLII[Ser545Thr]AVDYNLTWQR

ClinVar aggregate classification (germline): Uncertain significance (1 of 4 stars; one submission).

Submission:

Labcorp Genetics (formerly Invitae), Labcorp
Classification: Uncertain significance. Last evaluated: 2024-07-03. Review status: criteria provided, single submitter. Criteria: Invitae Variant Classification Sherloc (09022015). Collection method: clinical testing. Allele origin: germline.
Comment: This sequence change replaces serine, which is neutral and polar, with threonine, which is neutral and polar, at codon 545 of the HMCN1 protein (p.Ser545Thr). This variant is not present in population databases (gnomAD no frequency). This variant has not been reported in the literature in individuals affected with HMCN1-related conditions. An algorithm developed to predict the effect of missense changes on protein structure and function (PolyPhen-2) suggests that this variant is likely to be disruptive. In summary, the available evidence is currently insufficient to determine the role of this variant in disease. Therefore, it has been classified as a Variant of Uncertain Significance.